The following is an entry in ClinVar:

ClinVar aggregate classification (germline): Likely pathogenic (0 of 4 stars; one submission).

Conditions:
OXCT1-related disorder. Also called: OXCT1-related condition.

gnomAD v4.1: 1 of 1,611,110 alleles (0.000062%); highest among the groups gnomAD compares: Non-Finnish European, 0.000085%; no homozygotes.

Submission:

PreventionGenetics, part of Exact Sciences
Classification: Likely pathogenic for OXCT1-related condition. Last evaluated: 2024-06-28. Review status: no assertion criteria provided. Collection method: clinical testing. Allele origin: germline.
Comment: The OXCT1 c.1063C>T variant is predicted to result in premature protein termination (p.Arg355*). To our knowledge, this variant has not been reported in the literature or in a large population database, indicating this variant is rare. Nonsense variants in OXCT1 are expected to be pathogenic. This variant is interpreted as likely pathogenic.

NM_000436.4(OXCT1):c.1063C>T (p.Arg355Ter)

Gene: OXCT1 (3-oxoacid CoA-transferase 1; minus strand). Cytogenetic location: 5p13.1.
Variant type: single nucleotide variant.
Coding change: c.1063C>T on transcript NM_000436.4 (MANE Select); coding-DNA position 1063, C replaced by T.
Protein change: p.Arg355Ter; replaces arginine 355 with a stop codon.
Molecular consequence: nonsense. On other transcripts: non-coding transcript variant (1).
Genome position (GRCh38, 1-based): chr5:41,801,058, G>A on the plus strand (C>T on the coding strand, the complement: OXCT1 is on the minus strand). VCF-style: chr5-41801058-G-A. GRCh37 (hg19) VCF-style: chr5-41801160-G-A.
Other names: c.1084C>T, p.Arg362Ter (NM_001364299.2, NM_001364300.2); c.1057C>T, p.Arg353Ter (NM_001364301.2); c.1063C>T, p.Arg355Ter (NM_001364302.2); c.505C>T, p.Arg169Ter (NM_001364303.2); short protein forms R169*, R353*, R355*, R362*.
Identifiers: ClinVar variation 3345075 (VCV003345075.1).